The following is an entry in ClinVar:

NM_020937.4(FANCM):c.3053A>G (p.Glu1018Gly)

Gene: FANCM (FA complementation group M; plus strand). Cytogenetic location: 14q21.2.
Variant type: single nucleotide variant.
Coding change: c.3053A>G on transcript NM_020937.4 (MANE Select); coding-DNA position 3053, A replaced by G.
Protein change: p.Glu1018Gly; replaces glutamic acid 1018 with glycine.
Molecular consequence: missense variant.
Genome position (GRCh38, 1-based): chr14:45,175,807, A>G. VCF-style: chr14-45175807-A-G. GRCh37 (hg19) VCF-style: chr14-45645010-A-G.
Other names: c.2975A>G, p.Glu992Gly (NM_001308133.2); short protein forms E992G, E1018G.
Identifiers: ClinVar variation 4254549 (VCV004254549.1).

ClinVar aggregate classification (germline): Uncertain significance (1 of 4 stars; one submission).

Conditions:
Inborn genetic diseases. Identifiers: MedGen C0950123, MeSH D030342.

Submission:

Ambry Genetics
Classification: Uncertain significance for Inborn genetic diseases. Last evaluated: 2025-06-28. Review status: criteria provided, single submitter. Criteria: Ambry Variant Classification Scheme 2023. Collection method: clinical testing. Allele origin: germline.
Comment: The p.E1018G variant (also known as c.3053A>G), located in coding exon 14 of the FANCM gene, results from an A to G substitution at nucleotide position 3053. The glutamic acid at codon 1018 is replaced by glycine, an amino acid with similar properties. This amino acid position is conserved. In addition, this alteration is predicted to be tolerated by in silico analysis. Based on the available evidence, the clinical significance of this variant remains unclear.